The following is an entry in ClinVar:

ClinVar aggregate classification (germline): Uncertain significance. Review status: criteria provided, multiple submitters, no conflicts (2 of 4 stars). 2 submissions from 2 submitters: Uncertain significance (2). Last evaluated 2021-03-07.

Conditions:
Autosomal recessive limb-girdle muscular dystrophy type 2P. Also called: MUSCULAR DYSTROPHY, LIMB-GIRDLE, TYPE 2P; Limb-Girdle Muscular Dystrophy Type 9C; MUSCULAR DYSTROPHY-DYSTROGLYCANOPATHY, LIMB-GIRDLE, DAG1-RELATED. Identifiers: Orphanet 280333, MedGen C4511963, MONDO:0013440, OMIM 613818.
Muscular dystrophy-dystroglycanopathy (congenital with brain and eye anomalies), type A9. Also called: Muscular dystrophy-dystroglycanopathy (congenital with brain and eye anomalies), type a, 9; WALKER-WARBURG SYNDROME OR MUSCLE-EYE BRAIN DISEASE, DAG1-RELATED. Identifiers: Orphanet 370997, Orphanet 899, MedGen C4225291, MONDO:0014683, OMIM 616538.

Allele frequency attached by ClinVar (database versions not stated): gnomAD exomes below 0.00001.
gnomAD v4.1: 1 of 1,614,188 alleles (0.000062%); highest among the groups gnomAD compares: South Asian, 0.0011%; no homozygotes.

Submissions (2):

Labcorp Genetics (formerly Invitae), Labcorp
Classification: Uncertain significance for Autosomal recessive limb-girdle muscular dystrophy type 2P; Muscular dystrophy-dystroglycanopathy (congenital with brain and eye anomalies), type A9. Last evaluated: 2021-03-07. Review status: criteria provided, single submitter. Criteria: Invitae Variant Classification Sherloc (09022015). Collection method: clinical testing. Allele origin: germline.
Comment: In summary, the available evidence is currently insufficient to determine the role of this variant in disease. Therefore, it has been classified as a Variant of Uncertain Significance. Algorithms developed to predict the effect of missense changes on protein structure and function are either unavailable or do not agree on the potential impact of this missense change (SIFT: "Tolerated"; PolyPhen-2: "Probably Damaging"; Align-GVGD: "Class C0"). This variant has not been reported in the literature in individuals with DAG1-related conditions. This variant is not present in population databases (ExAC no frequency). This sequence change replaces glycine with glutamic acid at codon 91 of the DAG1 protein (p.Gly91Glu). The glycine residue is moderately conserved and there is a moderate physicochemical difference between glycine and glutamic acid.

Baylor Genetics
Classification: Uncertain significance for Muscular dystrophy-dystroglycanopathy (congenital with brain and eye anomalies), type A9. Last evaluated: 2019-04-15. Review status: criteria provided, single submitter. Criteria: ACMG Guidelines, 2015. Collection method: clinical testing. Allele origin: maternal. Affected: yes.
Comment: This variant was determined to be of uncertain significance according to ACMG Guidelines, 2015 [PMID:25741868].

NM_004393.6(DAG1):c.272G>A (p.Gly91Glu)

Gene: DAG1 (dystroglycan 1; plus strand). Cytogenetic location: 3p21.31.
Variant type: single nucleotide variant.
Coding change: c.272G>A on transcript NM_004393.6 (MANE Select); coding-DNA position 272, G replaced by A.
Protein change: p.Gly91Glu; replaces glycine 91 with glutamic acid.
Molecular consequence: missense variant.
Genome position (GRCh38, 1-based): chr3:49,510,806, G>A. VCF-style: chr3-49510806-G-A. GRCh37 (hg19) VCF-style: chr3-49548239-G-A.
Other names: c.272G>A, p.Gly91Glu (NM_001165928.4, NM_001177634.3, NM_001177635.3 and 9 more transcripts); short protein forms G91E.
Identifiers: ClinVar variation 1030790 (VCV001030790.9), dbSNP rs766324183, ClinGen allele CA352801418.